The following is an entry in ClinVar:

ClinVar aggregate classification (germline): Likely pathogenic (1 of 4 stars; one submission).

Submission:

Labcorp Genetics (formerly Invitae), Labcorp
Classification: Likely pathogenic. Last evaluated: 2017-09-29. Review status: criteria provided, single submitter. Criteria: Invitae Variant Classification Sherloc (09022015). Collection method: clinical testing. Allele origin: germline.
Comment: This variant has not been reported in the literature in individuals with UPB1-related disease. This variant is not present in population databases (ExAC no frequency). This sequence change affects a donor splice site in intron 3 of the UPB1 gene. It is expected to disrupt RNA splicing and likely results in an absent or disrupted protein product. Donor and acceptor splice site variants typically lead to a loss of protein function (PMID: 16199547), and loss-of-function variants in UPB1 are known to be pathogenic (PMID: 15385443, 22525402). In summary, the currently available evidence indicates that the variant is pathogenic, but additional data are needed to prove that conclusively. Therefore, this variant has been classified as Likely Pathogenic.

Literature cited by the submitters: PubMed 16199547; PubMed 15385443; PubMed 22525402.

NM_016327.3(UPB1):c.364+1G>C

Gene: UPB1 (beta-ureidopropionase 1; plus strand). Cytogenetic location: 22q11.23.
Variant type: single nucleotide variant.
Coding change: c.364+1G>C on transcript NM_016327.3 (MANE Select); the canonical splice donor site of the intron after coding-DNA position 364, G replaced by C.
Molecular consequence: splice donor variant.
Genome position (GRCh38, 1-based): chr22:24,502,214, G>C. VCF-style: chr22-24502214-G-C. GRCh37 (hg19) VCF-style: chr22-24898182-G-C.
Identifiers: ClinVar variation 1067615 (VCV001067615.7), dbSNP rs1019345080, ClinGen allele CA410960171.
Genomic context (GRCh38, chr22:24,502,214, plus strand): 5'-CTATCGTAGAGGTGGCTGCAATGTGTGGAGTCAACATCATCTGTTTCCAGGAAGCATGGA[G>C]TGAGTCTTTTTTATGGTGCTTTCTCTGCTGCCTTCAAACAATTGTGTATTCTCTCCATGT-3'